The following is an entry in ClinVar:

ClinVar aggregate classification (germline): Pathogenic/Likely pathogenic. Review status: criteria provided, multiple submitters, no conflicts (2 of 4 stars). 3 submissions from 3 submitters: Pathogenic (1); Likely pathogenic (2). Last evaluated 2023-12-11.

Conditions:
Immunodeficiency, common variable, 12 (CVID12). Also called: NFKB1 DEFICIENCY; IMMUNODEFICIENCY, COMMON VARIABLE, 12, WITH AUTOIMMUNITY. Identifiers: Orphanet 1572, Orphanet 696874, MedGen C4225277, MONDO:0014697, OMIM 616576.

Submissions (3):

Labcorp Genetics (formerly Invitae), Labcorp
Classification: Likely pathogenic. Last evaluated: 2023-12-11. Review status: criteria provided, single submitter. Criteria: Invitae Variant Classification Sherloc (09022015). Collection method: clinical testing. Allele origin: germline.
Comment: This sequence change affects a donor splice site in intron 6 of the NFKB1 gene. It is expected to disrupt RNA splicing. Variants that disrupt the donor or acceptor splice site typically lead to a loss of protein function (PMID: 16199547), and loss-of-function variants in NFKB1 are known to be pathogenic (PMID: 26279205, 29477724). This variant is not present in population databases (gnomAD no frequency). This variant has not been reported in the literature in individuals affected with NFKB1-related conditions. ClinVar contains an entry for this variant (Variation ID: 871105). Algorithms developed to predict the effect of sequence changes on RNA splicing suggest that this variant may disrupt the consensus splice site. In summary, the currently available evidence indicates that the variant is pathogenic, but additional data are needed to prove that conclusively. Therefore, this variant has been classified as Likely Pathogenic.

Laboratorio de Genetica e Diagnostico Molecular, Hospital Israelita Albert Einstein
Classification: Likely pathogenic for Immunodeficiency, common variable, 12. Last evaluated: 2022-12-15. Review status: criteria provided, single submitter. Criteria: ACMG Guidelines, 2015. Collection method: clinical testing. Allele origin: germline. Affected: yes. Observed: 1 variant allele.
Comment: ACMG classification criteria: PVS1 very strong, PM2 moderated

CeGaT Center for Human Genetics Tuebingen
Classification: Pathogenic. Last evaluated: 2018-03-01. Review status: criteria provided, single submitter. Criteria: CeGaT Center For Human Genetics Tuebingen Variant Classification Criteria Version 2. Collection method: clinical testing. Allele origin: germline. Affected: yes. Observed: 1 variant allele.

Literature cited by the submitters: PubMed 16199547 (cited by Labcorp Genetics (formerly Invitae), Labcorp); PubMed 26279205 (cited by Labcorp Genetics (formerly Invitae), Labcorp); PubMed 29477724 (cited by Labcorp Genetics (formerly Invitae), Labcorp).

NM_003998.4(NFKB1):c.407+1G>A

Gene: NFKB1 (nuclear factor kappa B subunit 1; plus strand). Cytogenetic location: 4q24.
Variant type: single nucleotide variant.
Coding change: c.407+1G>A on transcript NM_003998.4 (MANE Select); the canonical splice donor site of the intron after coding-DNA position 407, G replaced by A.
Molecular consequence: splice donor variant.
Genome position (GRCh38, 1-based): chr4:102,567,136, G>A. VCF-style: chr4-102567136-G-A. GRCh37 (hg19) VCF-style: chr4-103488293-G-A.
Other names: c.407+1G>A (NM_001382626.1, NM_001382625.1); c.404+1G>A (NM_001382627.1, NM_001165412.2, NM_001319226.2); c.365+1G>A (NM_001382628.1).
Identifiers: ClinVar variation 871105 (VCV000871105.48), dbSNP rs1723945421, ClinGen allele CA357959025.
Genomic context (GRCh38, chr4:102,567,136, plus strand): 5'-AAAACACTGTGAGGATGGGATCTGCACTGTAACTGCTGGACCCAAGGACATGGTGGTCGG[G>A]TAAGTAGGGGTATATGATGCTGTGGAAGGTAGGAACAGATAGAATATGGGATGCAGGAAC-3'